The following is an entry in ClinVar:

ClinVar aggregate classification (germline): Uncertain significance (1 of 4 stars; one submission).

gnomAD v4.1: 1 of 1,614,150 alleles (0.000062%); highest among the groups gnomAD compares: South Asian, 0.0011%; no homozygotes.

Submission:

GeneDx
Classification: Uncertain significance. Last evaluated: 2024-08-13. Review status: criteria provided, single submitter. Criteria: GeneDx Variant Classification Process June 2021. Collection method: clinical testing. Allele origin: germline. Affected: yes.
Comment: Not observed at significant frequency in large population cohorts (gnomAD); In silico analysis indicates that this missense variant does not alter protein structure/function; Has not been previously published as pathogenic or benign to our knowledge

NM_002180.3(IGHMBP2):c.212G>A (p.Arg71Gln)

Gene: IGHMBP2 (immunoglobulin mu DNA binding protein 2; plus strand). Cytogenetic location: 11q13.3.
Variant type: single nucleotide variant.
Coding change: c.212G>A on transcript NM_002180.3 (MANE Select); coding-DNA position 212, G replaced by A.
Protein change: p.Arg71Gln; replaces arginine 71 with glutamine.
Molecular consequence: missense variant.
Genome position (GRCh38, 1-based): chr11:68,906,194, G>A. VCF-style: chr11-68906194-G-A. GRCh37 (hg19) VCF-style: chr11-68673662-G-A.
Other names: short protein forms R71Q.
Identifiers: ClinVar variation 3730893 (VCV003730893.1).